The following is an entry in ClinVar:

ClinVar aggregate classification (germline): Uncertain significance (1 of 4 stars; one submission).

Conditions:
Baller-Gerold syndrome (BGS). Also called: CRANIOSYNOSTOSIS WITH RADIAL DEFECTS. Identifiers: Orphanet 1225, MedGen C0265308, MONDO:0009039, OMIM 218600.

gnomAD v4.1: 2 of 1,600,088 alleles (0.00012%); highest among the groups gnomAD compares: Non-Finnish European, 0.00017%; no homozygotes.

Submission:

Labcorp Genetics (formerly Invitae), Labcorp
Classification: Uncertain significance for Baller-Gerold syndrome. Last evaluated: 2023-07-22. Review status: criteria provided, single submitter. Criteria: Invitae Variant Classification Sherloc (09022015). Collection method: clinical testing. Allele origin: germline.
Comment: ClinVar contains an entry for this variant (Variation ID: 1512426). This variant has not been reported in the literature in individuals affected with RECQL4-related conditions. Advanced modeling of protein sequence and biophysical properties (such as structural, functional, and spatial information, amino acid conservation, physicochemical variation, residue mobility, and thermodynamic stability) performed at Invitae indicates that this missense variant is expected to disrupt RECQL4 protein function. In summary, the available evidence is currently insufficient to determine the role of this variant in disease. Therefore, it has been classified as a Variant of Uncertain Significance. This sequence change replaces phenylalanine, which is neutral and non-polar, with serine, which is neutral and polar, at codon 795 of the RECQL4 protein (p.Phe795Ser). This variant is not present in population databases (gnomAD no frequency).

NM_004260.4(RECQL4):c.2384T>C (p.Phe795Ser)

Gene: RECQL4 (RecQ like helicase 4; minus strand). Cytogenetic location: 8q24.3.
Variant type: single nucleotide variant.
Coding change: c.2384T>C on transcript NM_004260.4 (MANE Select); coding-DNA position 2384, T replaced by C.
Protein change: p.Phe795Ser; replaces phenylalanine 795 with serine.
Molecular consequence: missense variant.
Genome position (GRCh38, 1-based): chr8:144,513,297, A>G on the plus strand (T>C on the coding strand, the complement: RECQL4 is on the minus strand). VCF-style: chr8-144513297-A-G. GRCh37 (hg19) VCF-style: chr8-145738680-A-G.
Other names: short protein forms F795S.
Identifiers: ClinVar variation 1512426 (VCV001512426.6), dbSNP rs1827608208, ClinGen allele CA372678240.